The following is an entry in ClinVar:

NM_006846.4(SPINK5):c.410+124A>G

Gene: SPINK5 (serine peptidase inhibitor Kazal type 5; plus strand). Cytogenetic location: 5q32.
Variant type: single nucleotide variant.
Coding change: c.410+124A>G on transcript NM_006846.4 (MANE Select); 124 bases into the intron after coding-DNA position 410, A replaced by G.
Molecular consequence: intron variant.
Genome position (GRCh38, 1-based): chr5:148,086,656, A>G. VCF-style: chr5-148086656-A-G. GRCh37 (hg19) VCF-style: chr5-147466219-A-G.
Other names: c.410+124A>G (NM_001127698.2, NM_001127699.2).
Identifiers: ClinVar variation 677112 (VCV000677112.1), dbSNP rs73269189, ClinGen allele CA129719088.

ClinVar aggregate classification (germline): Benign (1 of 4 stars; one submission).

Allele frequency attached by ClinVar (database versions not stated): gnomAD exomes 0.00337; 1000 Genomes Project 0.03135; gnomAD 0.03192 and 0.03445; 1000 Genomes Project 30x 0.03420; TOPMed 0.03581.

Submission:

GeneDx
Classification: Benign. Last evaluated: 2018-06-16. Review status: criteria provided, single submitter. Criteria: GeneDx Variant Classification (06012015). Collection method: clinical testing. Allele origin: germline. Affected: yes.
Comment: This variant is considered likely benign or benign based on one or more of the following criteria: it is a conservative change, it occurs at a poorly conserved position in the protein, it is predicted to be benign by multiple in silico algorithms, and/or has population frequency not consistent with disease.